The following is an entry in ClinVar:

NM_019892.6(INPP5E):c.1441C>A (p.Arg481Ser)

Gene: INPP5E (inositol polyphosphate-5-phosphatase E; minus strand). Cytogenetic location: 9q34.3.
Variant type: single nucleotide variant.
Coding change: c.1441C>A on transcript NM_019892.6 (MANE Select); coding-DNA position 1441, C replaced by A.
Protein change: p.Arg481Ser; replaces arginine 481 with serine.
Molecular consequence: missense variant.
Genome position (GRCh38, 1-based): chr9:136,431,932, G>T on the plus strand (C>A on the coding strand, the complement: INPP5E is on the minus strand). VCF-style: chr9-136431932-G-T. GRCh37 (hg19) VCF-style: chr9-139326384-G-T.
Other names: c.1438C>A, p.Arg480Ser (NM_001318502.2); short protein forms R481S, R480S.
Identifiers: ClinVar variation 1413535 (VCV001413535.8), dbSNP rs761179746, ClinGen allele CA375562499.
Genomic context (GRCh38, chr9:136,431,932, plus strand): 5'-CGTCCACCACCAGGCCCTGGCACAGGAGGGCGTCCACGACTGTGCGCCCGCCACTCAGGC[G>T]GAAGTTGAAGTCTCCAAACCAGAACACCTCATCGAAGCGGGTGGTGACGTCCGCTGCGGC-3'
Protein context (NP_063945.2, residues 471-491): EVFWFGDFNF[Arg481Ser]LSGGRTVVDA

ClinVar aggregate classification (germline): Uncertain significance (1 of 4 stars; one submission).

Conditions:
Joubert syndrome. Also called: CEREBELLOPARENCHYMAL DISORDER IV; JOUBERT-BOLTSHAUSER SYNDROME; Familial aplasia of the vermis. Identifiers: Orphanet 475, MedGen C5979921, MONDO:0018772.

gnomAD v4.1: 1 of 1,611,926 alleles (0.000062%); highest among the groups gnomAD compares: African/African-American, 0.0013%; no homozygotes.

Submission:

Labcorp Genetics (formerly Invitae), Labcorp
Classification: Uncertain significance for Joubert syndrome. Last evaluated: 2022-07-06. Review status: criteria provided, single submitter. Criteria: Invitae Variant Classification Sherloc (09022015). Collection method: clinical testing. Allele origin: germline.
Comment: In summary, the available evidence is currently insufficient to determine the role of this variant in disease. Therefore, it has been classified as a Variant of Uncertain Significance. Advanced modeling of protein sequence and biophysical properties (such as structural, functional, and spatial information, amino acid conservation, physicochemical variation, residue mobility, and thermodynamic stability) performed at Invitae indicates that this missense variant is expected to disrupt INPP5E protein function. ClinVar contains an entry for this variant (Variation ID: 1413535). This variant has not been reported in the literature in individuals affected with INPP5E-related conditions. This variant is not present in population databases (gnomAD no frequency). This sequence change replaces arginine, which is basic and polar, with serine, which is neutral and polar, at codon 481 of the INPP5E protein (p.Arg481Ser).